The following is an entry in ClinVar:

ClinVar aggregate classification (germline): Pathogenic (1 of 4 stars; one submission).

Conditions:
Tuberous sclerosis 2 (TSC2). Identifiers: Orphanet 805, MedGen C1860707, MONDO:0013199, OMIM 613254.

Submission:

Labcorp Genetics (formerly Invitae), Labcorp
Classification: Pathogenic for Tuberous sclerosis 2. Last evaluated: 2017-05-05. Review status: criteria provided, single submitter. Criteria: Invitae Variant Classification Sherloc (09022015). Collection method: clinical testing. Allele origin: germline.
Comment: A gross deletion of the genomic region encompassing the full coding sequence of the TSC2 gene has been identified. The boundaries of this event are unknown as the deletion extends beyond the assayed region for this gene and therefore may encompass additional genes. Loss-of-function variants in TSC2 are known to be pathogenic. This particular variant has been reported in the literature in individuals affected with tuberous sclerosis complex (PMID: 17287951, 16114042). For these reasons, this variant has been classified as Pathogenic.

NC_000016.9:g.(?_2098597)_(2150587_?)del

Genes: MIR1225 (microRNA 1225; minus strand), PKD1 (polycystin 1, transient receptor potential channel interacting; minus strand), TSC2 (TSC complex subunit 2; plus strand). Cytogenetic location: 16p13.3.
Variant type: Deletion.
Identifiers: ClinVar variation 467836 (VCV000467836.1).